The following is an entry in ClinVar:

ClinVar aggregate classification (germline): Likely benign (1 of 4 stars; one submission).

Conditions:
Intellectual developmental disorder, X-linked, syndromic, Hedera type. Also called: Syndromic X-linked intellectual disability Hedera type. Identifiers: Orphanet 93952, MedGen C1845543, MONDO:0010319, OMIM 300423.

Submission:

Institute of Medical Genetics, University of Zurich
Classification: Likely benign for Intellectual developmental disorder, X-linked, syndromic, Hedera type. Last evaluated: 2026-04-09. Review status: criteria provided, single submitter. Criteria: ACMG Guidelines, 2015. Collection method: clinical testing. Allele origin: maternal. Inheritance: X-linked recessive inheritance. Observed: 3 variant alleles.
Comment: This substitution (c.859-2A>G p.?) has not been described in the literature, while other mutations in this gene are known as causative for "intellectual developmental disorders, X-linked recessive" (e.g. PMIDs 41131679, 35779466, 38274877). The aformentioned substitution affects the canonical splice acceptor site at the last intron-exon-boundary of ATP6AP2. In-silico software predicts a loss of the binding site at exon 9 (Alamut meta predictor -100%, SpliceAI: 0.96, Pangolin: 0.68). According to DECIPHER v11.37, this variant is located in an NMD escape region. The loss of exon 9 would lead to a truncation of approximately 18% of coding sequence (amino acids 287-350) and thus to the (almost) complete loss of the transmembrane domain as well as the cytoplasmic tail (amino acids 275-350). The previously described splice variants in exon 2 and exon 4 do not affect this domain. A synonymous variant at the exon-intron boundary (c.858G>A, PMID: 38274877) was described in a patient with development-related and epileptic encephalopathy and leads to a loss of exon 8 in the patient and thus also to a truncated transmembrane domain. No similar variants in this region of ATP6AP2 were found in databases (gnomAD v4.1). Thus, it is unlikely that the variant c.859-2A>G in the ATP6AP2-gene is of clinical significance for the developmental disorder and thus can be classified as likely benign (BS2, BS4).

NM_005765.3(ATP6AP2):c.859-2A>G

Gene: ATP6AP2 (ATPase H+ transporting accessory protein 2; plus strand). Cytogenetic location: Xp11.4.
Variant type: single nucleotide variant.
Coding change: c.859-2A>G on transcript NM_005765.3 (MANE Select); the canonical splice acceptor site of the intron before coding-DNA position 859, A replaced by G.
Molecular consequence: splice acceptor variant.
Genome position (GRCh38, 1-based): chrX:40,605,559, A>G. VCF-style: chrX-40605559-A-G. GRCh37 (hg19) VCF-style: chrX-40464811-A-G.
Identifiers: ClinVar variation 4849877 (VCV004849877.1).
Genomic context (GRCh38, chrX:40,605,559, plus strand): 5'-TGGGATAATTTCCTATTTTAAAATTCTTCCCTCTTGATTTTTCTTTCTTTTCTATATTGT[A>G]GAAGAACCCAGCAAGTCCCTATAACCTTGCATATAAGTATAATTTTGAATATTCCGTGGT-3'